The following is an entry in ClinVar:

NM_000465.4(BARD1):c.2107C>G (p.Leu703Val)

Gene: BARD1 (BRCA1 associated RING domain 1; minus strand). Cytogenetic location: 2q35.
Variant type: single nucleotide variant.
Coding change: c.2107C>G on transcript NM_000465.4 (MANE Select); coding-DNA position 2107, C replaced by G.
Protein change: p.Leu703Val; replaces leucine 703 with valine.
Molecular consequence: missense variant. On other transcripts: non-coding transcript variant (3).
Genome position (GRCh38, 1-based): chr2:214,728,903, G>C on the plus strand (C>G on the coding strand, the complement: BARD1 is on the minus strand). VCF-style: chr2-214728903-G-C. GRCh37 (hg19) VCF-style: chr2-215593627-G-C.
Other names: c.2050C>G, p.Leu684Val (NM_001282543.2); c.754C>G, p.Leu252Val (NM_001282545.2); c.697C>G, p.Leu233Val (NM_001282548.2); c.568C>G, p.Leu190Val (NM_001282549.2); short protein forms L233V, L252V, L190V, L684V, L703V.
Identifiers: ClinVar variation 5032794 (VCV005032794.1).

ClinVar aggregate classification (germline): Uncertain significance (1 of 4 stars; one submission).

Conditions:
Hereditary cancer-predisposing syndrome. Also called: Neoplastic Syndromes, Hereditary; Tumor predisposition; Hereditary neoplastic syndrome; Hereditary Cancer Syndrome. Identifiers: Orphanet 140162, MedGen C0027672, MeSH D009386, MONDO:0015356.

Submission:

Ambry Genetics
Classification: Uncertain significance for Hereditary cancer-predisposing syndrome. Last evaluated: 2026-07-07. Review status: criteria provided, single submitter. Criteria: Ambry Variant Classification Scheme 2023. Collection method: clinical testing. Allele origin: germline.
Comment: The p.L703V variant (also known as c.2107C>G), located in coding exon 11 of the BARD1 gene, results from a C to G substitution at nucleotide position 2107. The leucine at codon 703 is replaced by valine, an amino acid with highly similar properties. This amino acid position is conserved. In addition, the in silico prediction for this alteration is inconclusive. Based on the available evidence, the clinical significance of this variant remains unclear.